The following is an entry in ClinVar:

NC_000009.12:g.35658023_35658024delinsTT

Gene: RMRP (RNA component of mitochondrial RNA processing endoribonuclease; minus strand). Cytogenetic location: 9p13.3.
Variant type: Indel.
Genome position: GRCh38 VCF-style: chr9-35658023-CC-TT. GRCh37 (hg19) VCF-style: chr9-35658020-CC-TT.
Identifiers: ClinVar variation 1092377 (VCV001092377.9), dbSNP rs2131809702, ClinGen allele CA2499219891.
Genomic context (GRCh38, chr9:35,658,023, plus strand): 5'-GGGGAGGAACAGAGTCCTCAGTGTGTAGCCTAGGATACAGGCCTTCAGCACGAACCACGT[CC>TT]TCAGCTTCACAGAGTAGTATTTTATAGCCCTAAAGAAATTGTGTTTTATGATTAGGGTGA-3'

ClinVar aggregate classification (germline): Conflicting classifications of pathogenicity. Review status: criteria provided, conflicting classifications (1 of 4 stars). 2 submissions from 2 submitters: Uncertain significance (1); Likely benign (1). Last evaluated 2026-01-16.

Conditions:
Anauxetic dysplasia. Identifiers: Orphanet 93347, MedGen C1846796, MONDO:0011773.

Submissions (2):

Labcorp Genetics (formerly Invitae), Labcorp
Classification: Likely benign for Anauxetic dysplasia. Last evaluated: 2026-01-16. Review status: criteria provided, single submitter. Criteria: Invitae Variant Classification Sherloc (09022015). Collection method: clinical testing. Allele origin: germline.

Women's Health and Genetics/Laboratory Corporation of America, LabCorp
Classification: Uncertain significance. Last evaluated: 2023-03-16. Review status: criteria provided, single submitter. Criteria: LabCorp Variant Classification Summary - May 2015. Collection method: clinical testing. Allele origin: germline.
Comment: Variant summary: RMRP n.-6_-5delinsAA is located in the untranscribed region upstream of the RMRP gene region. The allele frequency of this delins variant could not be determined from large population databases such as gnomAD because the individual variants constituting the delins variant have variable frequencies and the exact number of alleles representing a combination of the individual variants is unknown. However, based on the frequency of the least prevalent allele, namely n.-6G>A, it can be estimated that the delins variant allele will be found at a frequency not to exceed 0.00068 in 158262 control chromosomes. This frequency is not higher than estimated for a pathogenic variant in RMRP causing Cartilage-Hair Hypoplasia (0.00068 vs 0.0072), allowing no conclusion about variant significance. To our knowledge, no occurrence of n.-6_-5delinsAA in individuals affected with Cartilage-Hair Hypoplasia and no experimental evidence demonstrating its impact on protein function have been reported. One clinical diagnostic laboratory has submitted clinical-significance assessments for this variant to ClinVar after 2014 without evidence for independent evaluation and classified the variant as likely benign. Based on the evidence outlined above, the variant was classified as uncertain significance.